The following is an entry in ClinVar:

ClinVar aggregate classification (germline): Uncertain significance. Review status: criteria provided, multiple submitters, no conflicts (2 of 4 stars). 4 submissions from 4 submitters: Uncertain significance (2). 2 of the submissions do not count toward it. Last evaluated 2025-01-17.

Conditions:
alpha Thalassemia. Also called: Alpha thalassemia spectrum. Identifiers: Orphanet 846, MedGen C0002312, MONDO:0011399, OMIM 604131.
HEMOGLOBIN Q (INDIA).

Allele frequency attached by ClinVar (database versions not stated): TOPMed below 0.00001; gnomAD exomes 0.00004; ExAC 0.00028.

Submissions (4):

ARUP Laboratories, Molecular Genetics and Genomics, ARUP Laboratories
Classification: Uncertain significance. Last evaluated: 2025-01-17. Review status: criteria provided, single submitter. Criteria: ARUP Molecular Germline Variant Investigation Process 2024. Collection method: clinical testing. Allele origin: germline.
Comment: The Hb Q-India variant (HBA1: c.193G>C; p.Asp65His, also known as Asp64His when numbered from the mature protein, rs33984024, HbVar ID: 97, ClinVar Variation ID: 15803) is reported in the literature in several families with beta-thalassemia major and minor, but did not alter the beta-thalassemia phenotype (see link to HbVar and references therein, Bhat 2010). It has been described as a stable hemoglobin variant (Molchanova 1994) and did not alter the phenotype in patients with HbS (Parab 2015). One study suggests that some individuals heterozygous for Hb Q-India exhibit microcytosis and anemia (Panigrahi 2005), though the clinical presentations are highly variable even within a family. This variant is found in the South Asian population with an allele frequency of 0.004% (6/135032 alleles) in the Genome Aggregation Database (v2.1.1). Computational analyses are uncertain whether this variant is neutral or deleterious (REVEL: 0.663). However, due to the variable clinical phenotypes associated with Hb Q-India, its clinical significance cannot be determined with certainty. References: Link to HbVar database: Bhat V et al. Characterization of a hemoglobin variant: HbQ-India / IVS 1-1 (G>T)-B-thalassemia. Indian J Clin Biochem. 2010 25(1):99-104. PMID: 23105893. Molchanova T et al. The differences in quantities of alpha 2- and alpha 1-globin gene variants in heterozygotes. Br J Haematol. 1994 88(2):300-6. PMID: 7803274. Panigrahi I et al. Hb Q India: is it always benign? Am J Hematol. 2005 78(3):245-6. PMID: 15726591. Parab S et al. Diagnosis of a novel hemoglobinopathy of compound heterozygosity of hemoglobin S/hemoglobin Q India. Clin Chim Acta. 2015 442:33-5. PMID: 25576799.

Quest Diagnostics Nichols Institute San Juan Capistrano
Classification: Uncertain significance. Last evaluated: 2024-05-28. Review status: criteria provided, single submitter. Criteria: Quest Diagnostics criteria. Collection method: clinical testing. Allele origin: unknown.
Comment: The HBA1 c.193G>C (p.Asp65His) variant has been reported as having normal stability (HbVar and PMID: 31553106 (2020)). Additionally, in the published literature, individuals who are heterozygous for this variant are reported to be asymptomatic and have a normal clinical presentation (PMID: 7803274 (1994), 32597250 (2020), 32769347 (2020)). However, the variant may have clinical significance where beta-thalassemia trait occurs or during pregnancy (HbVar, PMID: 4646552 (1972), 25354131 (2014), 28526955 (2017)). A possible association with lower MCH and MCV values has been reported in one study (PMID: 33887194 (2021)). The frequency of this variant in the general population, 0.00026 (6/22758 chromosomes (Genome Aggregation Database)), is uninformative in the assessment of its pathogenicity. Analysis of this variant using bioinformatics tools for the prediction of the effect of amino acid changes on protein structure and function yielded predictions that this variant is damaging. Based on the available information, we are unable to determine the clinical significance of this variant.

Natera, Inc.
Classification: Uncertain significance for Alpha thalassemia. Last evaluated: 2020-09-16. Review status: no assertion criteria provided. Collection method: clinical testing. Allele origin: germline. Not counted in ClinVar's aggregate classification.

OMIM
Classification: other for HEMOGLOBIN Q (INDIA). Last evaluated: 2016-07-20. Review status: no assertion criteria provided. Collection method: literature only. Allele origin: germline. Not counted in ClinVar's aggregate classification.

Literature cited by the submitters: PubMed 21045395 (cited by Quest Diagnostics Nichols Institute San Juan Capistrano); PubMed 949043 (cited by Quest Diagnostics Nichols Institute San Juan Capistrano and OMIM); PubMed 4646552 (cited by Quest Diagnostics Nichols Institute San Juan Capistrano and OMIM); PubMed 31553106 (cited by Quest Diagnostics Nichols Institute San Juan Capistrano); PubMed 33059511 (cited by Quest Diagnostics Nichols Institute San Juan Capistrano); PubMed 33887194 (cited by Quest Diagnostics Nichols Institute San Juan Capistrano); PubMed 32769347 (cited by Quest Diagnostics Nichols Institute San Juan Capistrano); PubMed 7803274 (cited by Quest Diagnostics Nichols Institute San Juan Capistrano); PubMed 28526955 (cited by Quest Diagnostics Nichols Institute San Juan Capistrano); PubMed 25354131 (cited by Quest Diagnostics Nichols Institute San Juan Capistrano); PubMed 27207683 (cited by Quest Diagnostics Nichols Institute San Juan Capistrano); PubMed 32597250 (cited by Quest Diagnostics Nichols Institute San Juan Capistrano); PubMed 32448026 (cited by Quest Diagnostics Nichols Institute San Juan Capistrano).

NM_000558.3(HBA1):c.193G>C (p.Asp65His)

Genes: HBA1 (hemoglobin subunit alpha 1; plus strand), LOC106804613 (hemoglobin subunit alpha 1 recombination region; plus strand). Cytogenetic location: 16p13.3.
Variant type: single nucleotide variant.
Coding change: c.193G>C on transcript NM_000558.3; coding-DNA position 193, G replaced by C.
Protein change: p.Asp65His; replaces aspartic acid 65 with histidine.
Molecular consequence: missense variant (on NM_000558.5).
Genome position (GRCh38, 1-based): chr16:177,026, G>C. VCF-style: chr16-177026-G-C. GRCh37 (hg19) VCF-style: chr16-227025-G-C.
Other names: D64H; c.193G>C (NM_000558.4); c.193G>C, p.Asp65His (NM_000558.5); short protein forms D65H.
Identifiers: ClinVar variation 15803 (VCV000015803.20), dbSNP rs33984024, ClinGen allele CA125867.
Genomic context (GRCh38, chr16:177,026, plus strand): 5'-CCGCACTTCGACCTGAGCCACGGCTCTGCCCAGGTTAAGGGCCACGGCAAGAAGGTGGCC[G>C]ACGCGCTGACCAACGCCGTGGCGCACGTGGACGACATGCCCAACGCGCTGTCCGCCCTGA-3'
Protein context (NP_000549.1, residues 55-75): QVKGHGKKVA[Asp65His]ALTNAVAHVD